The following continues an entry in ClinVar:

NM_001267550.2(TTN):c.32624C>T (p.Pro10875Leu)

Gene: TTN. ClinVar aggregate classification (germline): Conflicting classifications of pathogenicity. Uncertain significance (2); Benign (14); Likely benign (7).

Submissions 16 to 27 of 27:

Illumina Laboratory Services, Illumina
Classification: Likely benign for Dilated cardiomyopathy 1G. Last evaluated: 2018-01-13. Review status: criteria provided, single submitter. Criteria: ICSL Variant Classification Criteria 13 December 2019. Collection method: clinical testing. Allele origin: germline.
Comment: This variant was observed in the ICSL laboratory as part of a predisposition screen in an ostensibly healthy population. It had not been previously curated by ICSL or reported in the Human Gene Mutation Database (HGMD: prior to June 1st, 2018), and was therefore a candidate for classification through an automated scoring system. Utilizing variant allele frequency, disease prevalence and penetrance estimates, and inheritance mode, an automated score was calculated to assess if this variant is too frequent to cause the disease. Based on the score and internal cut-off values, a variant classified as likely benign is not then subjected to further curation. The score for this variant resulted in a classification of likely benign for this disease.

GeneDx
Classification: Benign. Last evaluated: 2016-06-15. Review status: criteria provided, single submitter. Criteria: GeneDx Variant Classification (06012015). Collection method: clinical testing. Allele origin: germline. Affected: yes.
Comment: This variant is considered likely benign or benign based on one or more of the following criteria: it is a conservative change, it occurs at a poorly conserved position in the protein, it is predicted to be benign by multiple in silico algorithms, and/or has population frequency not consistent with disease.

Eurofins Ntd Llc (ga)
Classification: Benign. Last evaluated: 2015-08-01. Review status: criteria provided, single submitter. Criteria: EGL Classification Definitions 2015. Collection method: clinical testing. Allele origin: germline. Observed: 1 variant allele, 1 heterozygote.

Laboratory for Molecular Medicine, Mass General Brigham Personalized Medicine
Classification: Likely benign. Last evaluated: 2015-06-16. Review status: criteria provided, single submitter. Criteria: LMM Criteria. Collection method: clinical testing. Allele origin: germline. Observed: 36 variant alleles.
Comment: p.Pro9631Leu in exon 128 of TTN: This variant is not expected to have clinical s ignificance because it has been identified in 0.8% (510/66482) of European chrom osomes by the Exome Aggregation Consortium (ExAC ; dbSNP rs72650031).

Genetic Services Laboratory, University of Chicago
Classification: Likely benign. Last evaluated: 2015-02-10. Review status: criteria provided, single submitter. Criteria: ACMG Guidelines, 2015. Collection method: clinical testing. Allele origin: germline.

Biesecker Lab/Clinical Genomics Section, National Institutes of Health
Classification: Benign. Last evaluated: 2013-06-24. Review status: criteria provided, single submitter. Criteria: Ng et al. (Circ Cardiovasc Genet. 2013). Collection method: research. Allele origin: unknown. Observed: 7 variant alleles. Study: ClinSeq.
Comment: The study set was not selected for affection status in relation to any cancer. Pathogenicity categories were based on literature curation. See Pubmed ID:23861362 for details.

Medical sequencing

Ambry Genetics
Classification: Likely benign for Cardiovascular phenotype. Last evaluated: 2012-09-28. Review status: criteria provided, single submitter. Criteria: Ambry Autosomal Dominant and X-Linked criteria (10/2015). Collection method: clinical testing. Allele origin: germline. Observed: 1 variant allele.

PreventionGenetics, part of Exact Sciences
Classification: Likely benign. Review status: criteria provided, single submitter. Criteria: ACMG Guidelines, 2015. Collection method: clinical testing. Allele origin: germline.

Clinical Genetics, Academic Medical Center
Classification: Benign. Review status: no assertion criteria provided. Collection method: clinical testing. Allele origin: germline. Affected: yes. Study: VKGL Data-share Consensus. Not counted in ClinVar's aggregate classification.

Diagnostic Laboratory, Department of Genetics, University Medical Center Groningen
Classification: Likely benign. Review status: no assertion criteria provided. Collection method: clinical testing. Allele origin: germline. Affected: yes. Study: VKGL Data-share Consensus. Not counted in ClinVar's aggregate classification.

Joint Genome Diagnostic Labs from Nijmegen and Maastricht, Radboudumc and MUMC+
Classification: Benign. Review status: no assertion criteria provided. Collection method: clinical testing. Allele origin: germline. Affected: yes. Study: VKGL Data-share Consensus. Not counted in ClinVar's aggregate classification.

Laboratory of Diagnostic Genome Analysis, Leiden University Medical Center (LUMC)
Classification: Likely benign. Review status: no assertion criteria provided. Collection method: clinical testing. Allele origin: germline. Affected: yes. Study: VKGL Data-share Consensus. Not counted in ClinVar's aggregate classification.

Literature cited by the submitters: PubMed 26516846 (cited by Athena Diagnostics and Women's Health and Genetics/Laboratory Corporation of America, LabCorp); PubMed 29970176 (cited by Athena Diagnostics); PubMed 23861362 (cited by Athena Diagnostics); PubMed 23396983 (cited by Women's Health and Genetics/Laboratory Corporation of America, LabCorp); PubMed 24503780 (cited by Women's Health and Genetics/Laboratory Corporation of America, LabCorp).